The following is an entry in ClinVar:

NM_033159.4(HYAL1):c.872A>G (p.Tyr291Cys)

Gene: HYAL1 (hyaluronidase 1; minus strand). Cytogenetic location: 3p21.31.
Variant type: single nucleotide variant.
Coding change: c.872A>G on transcript NM_033159.4 (MANE Select); coding-DNA position 872, A replaced by G.
Protein change: p.Tyr291Cys; replaces tyrosine 291 with cysteine.
Molecular consequence: missense variant. On other transcripts: non-coding transcript variant (1).
Genome position (GRCh38, 1-based): chr3:50,302,085, T>C on the plus strand (A>G on the coding strand, the complement: HYAL1 is on the minus strand). VCF-style: chr3-50302085-T-C. GRCh37 (hg19) VCF-style: chr3-50339516-T-C.
Other names: c.872A>G, p.Tyr291Cys (NM_007312.3, NM_153281.2, NM_153282.3); c.326A>G, p.Tyr109Cys (NM_153283.3); c.95A>G, p.Tyr32Cys (NM_153285.3); short protein forms Y32C, Y109C, Y291C.
Identifiers: ClinVar variation 2143566 (VCV002143566.1), dbSNP rs782313024, ClinGen allele CA2415851.
Genomic context (GRCh38, chr3:50,302,085, plus strand): 5'-TTGACAAGGTGGGCAGGTTACAGAAGACTCACCAGGGGCAGAAAGTGGTTTGTCGTGTCA[T>C]AGAAGATCTGGACATAGGGCAGCACCGGCAGATTGGGGTCACCAGCAGCCACAGCCACAC-3'
Protein context (NP_149349.2, residues 281-301): LPVLPYVQIF[Tyr291Cys]DTTNHFLPLD

ClinVar aggregate classification (germline): Uncertain significance (1 of 4 stars; one submission).

Conditions:
Deficiency of hyaluronoglucosaminidase (MPS9). Also called: HYALURONIDASE DEFICIENCY; MPS IX; Mucopolysaccharidosis type 9. Identifiers: Orphanet 67041, MedGen C1291490, MONDO:0011093, OMIM 601492.

Allele frequency attached by ClinVar (database versions not stated): gnomAD exomes 0.00001; TOPMed 0.00002; ExAC 0.00003.
gnomAD v4.1: 15 of 1,614,200 alleles (0.00093%); highest among the groups gnomAD compares: East Asian, 0.025%; no homozygotes.

Submission:

Labcorp Genetics (formerly Invitae), Labcorp
Classification: Uncertain significance for Deficiency of hyaluronoglucosaminidase. Last evaluated: 2022-10-13. Review status: criteria provided, single submitter. Criteria: Invitae Variant Classification Sherloc (09022015). Collection method: clinical testing. Allele origin: germline.
Comment: This sequence change replaces tyrosine, which is neutral and polar, with cysteine, which is neutral and slightly polar, at codon 291 of the HYAL1 protein (p.Tyr291Cys). This variant is present in population databases (rs782313024, gnomAD 0.03%). This variant has not been reported in the literature in individuals affected with HYAL1-related conditions. Algorithms developed to predict the effect of missense changes on protein structure and function are either unavailable or do not agree on the potential impact of this missense change (SIFT: "Deleterious"; PolyPhen-2: "Probably Damaging"; Align-GVGD: "Class C0"). In summary, the available evidence is currently insufficient to determine the role of this variant in disease. Therefore, it has been classified as a Variant of Uncertain Significance.